The following is an entry in ClinVar:

NR_146000.1(MEG8):n.3286T>C

Gene: MEG8 (maternally expressed 8, small nucleolar RNA host gene; plus strand). Cytogenetic location: 14q32.31.
Variant type: single nucleotide variant.
Molecular consequence: non-coding transcript variant (on NR_146000.1).
Genome position: GRCh38 VCF-style: chr14-100975471-T-C. GRCh37 (hg19) VCF-style: chr14-101441808-T-C.
Identifiers: ClinVar variation 3026349 (VCV003026349.22), dbSNP rs191158567, ClinGen allele CA266909504.
Genomic context (GRCh38, chr14:100,975,471, plus strand): 5'-AATGGATACGCTCAGGTGATTTAAGCAGTCTTCCATGGCCACGAGCTCTGTGGTTGCCTC[T>C]GTATATTAAGAGCACAGAGATTAAAGTGAGTAATGGCTGACATTCTTTTCTTGGTTTCAG-3'

ClinVar aggregate classification (germline): Likely benign (1 of 4 stars; one submission).

Allele frequency attached by ClinVar (database versions not stated): 1000 Genomes Project 0.00280; 1000 Genomes Project 30x 0.00312; TOPMed 0.00346; gnomAD 0.00396; gnomAD exomes 0.00764.

Submission:

CeGaT Center for Human Genetics Tuebingen
Classification: Likely benign. Last evaluated: 2024-07-01. Review status: criteria provided, single submitter. Criteria: CeGaT Center For Human Genetics Tuebingen Variant Classification Criteria Version 2. Collection method: clinical testing. Allele origin: germline. Affected: yes. Observed: 3 variant alleles.
Comment: MEG8: BS2